The following is an entry in ClinVar:

ClinVar aggregate classification (germline): Conflicting classifications of pathogenicity. Review status: criteria provided, conflicting classifications (1 of 4 stars). 5 submissions from 4 submitters: Uncertain significance (2); Likely benign (2). 1 of the submissions does not count toward it. Last evaluated 2025-03-04.

Conditions:
FH-related disorder. Also called: FH-related condition; FH-related disorders.
Hereditary leiomyomatosis and renal cell cancer. Also called: MULTIPLE CUTANEOUS AND UTERINE LEIOMYOMATA 1, WITH OR WITHOUT RENAL CELL CARCINOMA; Reed syndrome; Multiple cutaneous and uterine leiomyomatosis; Cutaneous leiomyomata with uterine leiomyomata; Leiomyoma, hereditary multiple, of skin; Multiple cutaneous and uterine leiomyomata. Identifiers: Orphanet 523, MedGen C1708350, MONDO:0007888, OMIM 150800, HP:0007437. Disease mechanism: loss of function.
Fumarase deficiency (FMRD). Also called: Fumarate Hydratase Deficiency; Fumaric aciduria. Identifiers: Orphanet 24, MedGen C0342770, MONDO:0011730, OMIM 606812.

Allele frequency attached by ClinVar (database versions not stated): gnomAD 0.00018 and 0.00019.
gnomAD v4.1: 357 of 1,490,496 alleles (0.024%); highest among the groups gnomAD compares: South Asian, 0.096%; 1 homozygote.

Submissions (5):

Center for Genomic Medicine, Rigshospitalet, Copenhagen University Hospital
Classification: Likely benign. Last evaluated: 2025-03-04. Review status: criteria provided, single submitter. Criteria: ACMG Guidelines, 2015. Collection method: clinical testing. Allele origin: germline.

GeneDx
Classification: Likely benign. Last evaluated: 2020-12-07. Review status: criteria provided, single submitter. Criteria: GeneDx Variant Classification Process June 2021. Collection method: clinical testing. Allele origin: germline. Affected: yes.

Illumina Laboratory Services, Illumina
Classification: Uncertain significance for Fumarase deficiency. Last evaluated: 2018-01-12. Review status: criteria provided, single submitter. Criteria: ICSL Variant Classification Criteria 13 December 2019. Collection method: clinical testing. Allele origin: germline.

Illumina Laboratory Services, Illumina
Classification: Uncertain significance for Hereditary leiomyomatosis and renal cell cancer. Last evaluated: 2018-01-12. Review status: criteria provided, single submitter. Criteria: ICSL Variant Classification Criteria 13 December 2019. Collection method: clinical testing. Allele origin: germline.

PreventionGenetics, part of Exact Sciences
Classification: Likely benign for FH-related condition. Last evaluated: 2024-03-21. Review status: no assertion criteria provided. Collection method: clinical testing. Allele origin: germline. Not counted in ClinVar's aggregate classification.
Comment: This variant is classified as likely benign based on ACMG/AMP sequence variant interpretation guidelines (Richards et al. 2015 PMID: 25741868, with internal and published modifications).

NM_000143.4(FH):c.1237-12A>T

Gene: FH (fumarate hydratase; minus strand). Cytogenetic location: 1q43.
Variant type: single nucleotide variant.
Coding change: c.1237-12A>T on transcript NM_000143.4 (MANE Select); 12 bases into the intron before coding-DNA position 1237, A replaced by T.
Molecular consequence: intron variant.
Genome position (GRCh38, 1-based): chr1:241,500,602, T>A on the plus strand (A>T on the coding strand, the complement: FH is on the minus strand). VCF-style: chr1-241500602-T-A. GRCh37 (hg19) VCF-style: chr1-241663902-T-A.
Identifiers: ClinVar variation 296864 (VCV000296864.11), dbSNP rs74405673, ClinGen allele CA10609921.